The following is an entry in ClinVar:

NM_006005.3(WFS1):c.604G>C (p.Glu202Gln)

Gene: WFS1 (wolframin ER transmembrane glycoprotein; plus strand). Cytogenetic location: 4p16.1.
Variant type: single nucleotide variant.
Coding change: c.604G>C on transcript NM_006005.3 (MANE Select); coding-DNA position 604, G replaced by C.
Protein change: p.Glu202Gln; replaces glutamic acid 202 with glutamine.
Molecular consequence: missense variant.
Genome position (GRCh38, 1-based): chr4:6,291,340, G>C. VCF-style: chr4-6291340-G-C. GRCh37 (hg19) VCF-style: chr4-6293067-G-C.
Other names: c.604G>C, p.Glu202Gln (NM_001145853.1); short protein forms E202Q.
Identifiers: ClinVar variation 2028156 (VCV002028156.4), dbSNP rs771664415, ClinGen allele CA356172125.

ClinVar aggregate classification (germline): Uncertain significance (1 of 4 stars; one submission).

Submission:

Labcorp Genetics (formerly Invitae), Labcorp
Classification: Uncertain significance. Last evaluated: 2022-08-31. Review status: criteria provided, single submitter. Criteria: Invitae Variant Classification Sherloc (09022015). Collection method: clinical testing. Allele origin: germline.
Comment: This variant is not present in population databases (gnomAD no frequency). This sequence change replaces glutamic acid, which is acidic and polar, with glutamine, which is neutral and polar, at codon 202 of the WFS1 protein (p.Glu202Gln). In summary, the available evidence is currently insufficient to determine the role of this variant in disease. Therefore, it has been classified as a Variant of Uncertain Significance. This variant disrupts the p.Glu202 amino acid residue in WFS1. Other variant(s) that disrupt this residue have been determined to be pathogenic (PMID: 23981289, 24117146, 28432734, 32179840; Invitae). This suggests that this residue is clinically significant, and that variants that disrupt this residue are likely to be disease-causing. Advanced modeling of protein sequence and biophysical properties (such as structural, functional, and spatial information, amino acid conservation, physicochemical variation, residue mobility, and thermodynamic stability) performed at Invitae indicates that this missense variant is not expected to disrupt WFS1 protein function. This variant has not been reported in the literature in individuals affected with WFS1-related conditions.

Literature cited by the submitters: PubMed 23981289; PubMed 24117146; PubMed 28432734; PubMed 32179840.